The following is an entry in ClinVar:

ClinVar aggregate classification (germline): Uncertain significance (1 of 4 stars; one submission).

Conditions:
CHARGE syndrome (CHARGE). Also called: Hittner Hirsch Kreh syndrome; CHARGE ASSOCIATION--COLOBOMA, HEART ANOMALY, CHOANAL ATRESIA, RETARDATION, GENITAL AND EAR ANOMALIES; Coloboma, heart anomaly, choanal atresia, retardation, genital and ear anomalies; CHARGE association; Hall-Hittner syndrome. Identifiers: Orphanet 138, MedGen C0265354, MONDO:0008965.

Submission:

Labcorp Genetics (formerly Invitae), Labcorp
Classification: Uncertain significance for CHARGE syndrome. Last evaluated: 2023-01-15. Review status: criteria provided, single submitter. Criteria: Invitae Variant Classification Sherloc (09022015). Collection method: clinical testing. Allele origin: germline.
Comment: This sequence change replaces glutamine, which is neutral and polar, with leucine, which is neutral and non-polar, at codon 853 of the CHD7 protein (p.Gln853Leu). This variant is not present in population databases (gnomAD no frequency). This variant has not been reported in the literature in individuals affected with CHD7-related conditions. Advanced modeling of protein sequence and biophysical properties (such as structural, functional, and spatial information, amino acid conservation, physicochemical variation, residue mobility, and thermodynamic stability) performed at Invitae indicates that this missense variant is not expected to disrupt CHD7 protein function. In summary, the available evidence is currently insufficient to determine the role of this variant in disease. Therefore, it has been classified as a Variant of Uncertain Significance.

NM_017780.4(CHD7):c.2558A>T (p.Gln853Leu)

Gene: CHD7 (chromodomain helicase DNA binding protein 7; plus strand). Cytogenetic location: 8q12.2.
Variant type: single nucleotide variant.
Coding change: c.2558A>T on transcript NM_017780.4 (MANE Select); coding-DNA position 2558, A replaced by T.
Protein change: p.Gln853Leu; replaces glutamine 853 with leucine.
Molecular consequence: missense variant. On other transcripts: intron variant (1).
Genome position (GRCh38, 1-based): chr8:60,816,446, A>T. VCF-style: chr8-60816446-A-T. GRCh37 (hg19) VCF-style: chr8-61729005-A-T.
Other names: c.1716+35396A>T (NM_001316690.1); short protein forms Q853L.
Identifiers: ClinVar variation 2903457 (VCV002903457.3), dbSNP rs2487774451, ClinGen allele CA371306153.